The following is an entry in ClinVar:

NM_001367624.2(ZNF469):c.5050C>G (p.Pro1684Ala)

Gene: ZNF469 (zinc finger protein 469; plus strand). Cytogenetic location: 16q24.2.
Variant type: single nucleotide variant.
Coding change: c.5050C>G on transcript NM_001367624.2 (MANE Select); coding-DNA position 5050, C replaced by G.
Protein change: p.Pro1684Ala; replaces proline 1684 with alanine.
Molecular consequence: missense variant.
Genome position (GRCh38, 1-based): chr16:88,432,520, C>G. VCF-style: chr16-88432520-C-G. GRCh37 (hg19) VCF-style: chr16-88498928-C-G.
Other names: short protein forms P1684A.
Identifiers: ClinVar variation 3659700 (VCV003659700.1).

ClinVar aggregate classification (germline): Uncertain significance (1 of 4 stars; one submission).

Submission:

Labcorp Genetics (formerly Invitae), Labcorp
Classification: Uncertain significance. Last evaluated: 2024-07-16. Review status: criteria provided, single submitter. Criteria: Invitae Variant Classification Sherloc (09022015). Collection method: clinical testing. Allele origin: germline.
Comment: This sequence change replaces proline, which is neutral and non-polar, with alanine, which is neutral and non-polar, at codon 1656 of the ZNF469 protein (p.Pro1656Ala). This variant is not present in population databases (gnomAD no frequency). This variant has not been reported in the literature in individuals affected with ZNF469-related conditions. An algorithm developed to predict the effect of missense changes on protein structure and function outputs the following: PolyPhen-2: "Possibly Damaging". The alanine amino acid residue is found in multiple mammalian species, which suggests that this missense change does not adversely affect protein function. In summary, the available evidence is currently insufficient to determine the role of this variant in disease. Therefore, it has been classified as a Variant of Uncertain Significance.